The following is an entry in ClinVar:

NM_001365536.1(SCN9A):c.2147G>A (p.Arg716Lys)

Genes: SCN9A (sodium voltage-gated channel alpha subunit 9; minus strand), SCN1A-AS1 (SCN1A and SCN9A antisense RNA 1; plus strand). Cytogenetic location: 2q24.3.
Variant type: single nucleotide variant.
Coding change: c.2147G>A on transcript NM_001365536.1 (MANE Select); coding-DNA position 2147, G replaced by A.
Protein change: p.Arg716Lys; replaces arginine 716 with lysine.
Molecular consequence: missense variant.
Genome position (GRCh38, 1-based): chr2:166,280,553, C>T on the plus strand (G>A on the coding strand, the complement: SCN9A is on the minus strand). VCF-style: chr2-166280553-C-T. GRCh37 (hg19) VCF-style: chr2-167137063-C-T.
Other names: c.2114G>A, p.Arg705Lys (NM_002977.4); short protein forms R705K, R716K.
Identifiers: ClinVar variation 573914 (VCV000573914.9), dbSNP rs1559006316, ClinGen allele CA349079867.

ClinVar aggregate classification (germline): Uncertain significance (1 of 4 stars; one submission).

Conditions:
Generalized epilepsy with febrile seizures plus, type 7 (GEFSP7). Also called: GEFS+, TYPE 7. Identifiers: Orphanet 36387, MedGen C2751778, MONDO:0013470, OMIM 613863.
Neuropathy, hereditary sensory and autonomic, type 2A (HSAN2A). Also called: MORVAN DISEASE; NEUROPATHY, CONGENITAL SENSORY; NEUROPATHY, HEREDITARY SENSORY RADICULAR, AUTOSOMAL RECESSIVE; NEUROPATHY, HEREDITARY SENSORY, TYPE IIA; NEUROPATHY, PROGRESSIVE SENSORY, OF CHILDREN; WNK1-Related HSAN2 (HSAN2A). Identifiers: Orphanet 970, MedGen C2752089, MONDO:0024309, OMIM 201300.

Allele frequency attached by ClinVar (database versions not stated): TOPMed 0.00001.

Submission:

Labcorp Genetics (formerly Invitae), Labcorp
Classification: Uncertain significance for Neuropathy, hereditary sensory and autonomic, type 2A; Generalized epilepsy with febrile seizures plus, type 7. Last evaluated: 2018-02-14. Review status: criteria provided, single submitter. Criteria: Invitae Variant Classification Sherloc (09022015). Collection method: clinical testing. Allele origin: germline.
Comment: In summary, the available evidence is currently insufficient to determine the role of this variant in disease. Therefore, it has been classified as a Variant of Uncertain Significance. Algorithms developed to predict the effect of missense changes on protein structure and function output the following: SIFT: "Tolerated"; PolyPhen-2: "Benign"; Align-GVGD: "Class C0". The lysine amino acid residue is found in multiple mammalian species, suggesting that this missense change does not adversely affect protein function. These predictions have not been confirmed by published functional studies and their clinical significance is uncertain. This variant has not been reported in the literature in individuals with SCN9A-related disease. This variant is not present in population databases (ExAC no frequency). This sequence change replaces arginine with lysine at codon 705 of the SCN9A protein (p.Arg705Lys). The arginine residue is moderately conserved and there is a small physicochemical difference between arginine and lysine.